The following is an entry in ClinVar:

NM_001709.5(BDNF):c.195C>T (p.His65=)

Genes: BDNF (brain derived neurotrophic factor; minus strand), BDNF-AS (BDNF antisense RNA; plus strand). Cytogenetic location: 11p14.1.
Variant type: single nucleotide variant.
Coding change: c.195C>T on transcript NM_001709.5 (MANE Select); coding-DNA position 195, C replaced by T.
Protein change: p.His65=; no amino-acid change (histidine 65 retained).
Molecular consequence: synonymous variant. On other transcripts: non-coding transcript variant (5).
Genome position (GRCh38, 1-based): chr11:27,658,370, G>A on the plus strand (C>T on the coding strand, the complement: BDNF is on the minus strand). VCF-style: chr11-27658370-G-A. GRCh37 (hg19) VCF-style: chr11-27679917-G-A.
Other names: c.195C>T, p.His65= (NM_001143805.1, NM_001143806.1, NM_001143807.2 and 9 more transcripts); c.282C>T, p.His94= (NM_001143809.2); c.441C>T, p.His147= (NM_001143810.2); c.219C>T, p.His73= (NM_170731.5); c.240C>T, p.His80= (NM_170734.4).
Identifiers: ClinVar variation 3058089 (VCV003058089.2), dbSNP rs756240390, ClinGen allele CA5929127.

ClinVar aggregate classification (germline): Likely benign (0 of 4 stars; one submission).

Conditions:
BDNF-related disorder. Also called: BDNF-related condition.

Allele frequency attached by ClinVar (database versions not stated): gnomAD 0.00001; TOPMed 0.00002; ExAC 0.00003; gnomAD exomes 0.00004.
gnomAD v4.1: 58 of 1,613,966 alleles (0.0036%); highest among the groups gnomAD compares: Non-Finnish European, 0.0045%; no homozygotes.

Submission:

PreventionGenetics, part of Exact Sciences
Classification: Likely benign for BDNF-related condition. Last evaluated: 2023-02-28. Review status: no assertion criteria provided. Collection method: clinical testing. Allele origin: germline.
Comment: This variant is classified as likely benign based on ACMG/AMP sequence variant interpretation guidelines (Richards et al. 2015 PMID: 25741868, with internal and published modifications).